The following is an entry in ClinVar:

NM_016277.5(RAB23):c.54A>G (p.Gly18=)

Gene: RAB23 (RAB23, member RAS oncogene family; minus strand). Cytogenetic location: 6p11.2.
Variant type: single nucleotide variant.
Coding change: c.54A>G on transcript NM_016277.5 (MANE Select); coding-DNA position 54, A replaced by G.
Protein change: p.Gly18=; no amino-acid change (glycine 18 retained).
Molecular consequence: synonymous variant. On other transcripts: non-coding transcript variant (1).
Genome position (GRCh38, 1-based): chr6:57,210,327, T>C on the plus strand (A>G on the coding strand, the complement: RAB23 is on the minus strand). VCF-style: chr6-57210327-T-C. GRCh37 (hg19) VCF-style: chr6-57075125-T-C.
Other names: c.54A>G, p.Gly18= (NM_001278666.2, NM_001278667.2, NM_001278668.2 and 1 more transcripts).
Identifiers: ClinVar variation 772095 (VCV000772095.21), dbSNP rs767442221, ClinGen allele CA3873929.

ClinVar aggregate classification (germline): Conflicting classifications of pathogenicity. Review status: criteria provided, conflicting classifications (1 of 4 stars). 5 submissions from 5 submitters: Uncertain significance (1); Likely benign (2). 2 of the submissions do not count toward it. Last evaluated 2025-04-22.

Conditions:
RAB23-related disorder. Also called: RAB23-related condition.
RAB23-related Carpenter syndrome. Also called: ACPS II; Carpenter syndrome 1. Identifiers: Orphanet 65759, MedGen C4551510, MONDO:0008710, OMIM 201000.
Carpenter syndrome. Identifiers: Orphanet 65759, MedGen C1275078, MONDO:0019012.

Allele frequency attached by ClinVar (database versions not stated): gnomAD exomes 0.00008 and 0.00009; gnomAD 0.00004 and 0.00003; TOPMed 0.00006; ExAC 0.00009.
gnomAD v4.1: 133 of 1,613,862 alleles (0.0082%); highest among the groups gnomAD compares: Non-Finnish European, 0.011%; no homozygotes.

Submissions (5):

Labcorp Genetics (formerly Invitae), Labcorp
Classification: Likely benign for Carpenter syndrome. Last evaluated: 2025-04-22. Review status: criteria provided, single submitter. Criteria: Invitae Variant Classification Sherloc (09022015). Collection method: clinical testing. Allele origin: germline.

Blueprint Genetics
Classification: Likely benign. Last evaluated: 2024-11-12. Review status: criteria provided, single submitter. Criteria: ACMG Guidelines, 2015. Collection method: clinical testing. Allele origin: germline.

Illumina Laboratory Services, Illumina
Classification: Uncertain significance for RAB23-related Carpenter syndrome. Last evaluated: 2018-01-13. Review status: criteria provided, single submitter. Criteria: ICSL Variant Classification Criteria 13 December 2019. Collection method: clinical testing. Allele origin: germline.

PreventionGenetics, part of Exact Sciences
Classification: Likely benign for RAB23-related condition. Last evaluated: 2021-09-02. Review status: no assertion criteria provided. Collection method: clinical testing. Allele origin: germline. Not counted in ClinVar's aggregate classification.
Comment: This variant is classified as likely benign based on ACMG/AMP sequence variant interpretation guidelines (Richards et al. 2015 PMID: 25741868, with internal and published modifications).

Natera, Inc.
Classification: Likely benign for Carpenter syndrome 1. Last evaluated: 2020-01-30. Review status: no assertion criteria provided. Collection method: clinical testing. Allele origin: germline. Not counted in ClinVar's aggregate classification.